The following is an entry in ClinVar:

ClinVar aggregate classification (germline): Uncertain significance (1 of 4 stars; one submission).

Conditions:
Nephronophthisis. Also called: Juvenile Nephronophthisis. Identifiers: Orphanet 655, MedGen C0687120, MONDO:0019005, HP:0000090.

gnomAD v4.1: 1 of 1,608,458 alleles (0.000062%); highest among the groups gnomAD compares: Non-Finnish European, 0.000085%; no homozygotes.

Submission:

Labcorp Genetics (formerly Invitae), Labcorp
Classification: Uncertain significance for Nephronophthisis. Last evaluated: 2024-10-23. Review status: criteria provided, single submitter. Criteria: Invitae Variant Classification Sherloc (09022015). Collection method: clinical testing. Allele origin: germline.
Comment: This sequence change replaces leucine, which is neutral and non-polar, with glutamine, which is neutral and polar, at codon 887 of the NPHP4 protein (p.Leu887Gln). This variant is not present in population databases (gnomAD no frequency). This variant has not been reported in the literature in individuals affected with NPHP4-related conditions. ClinVar contains an entry for this variant (Variation ID: 1979809). Invitae Evidence Modeling of protein sequence and biophysical properties (such as structural, functional, and spatial information, amino acid conservation, physicochemical variation, residue mobility, and thermodynamic stability) indicates that this missense variant is expected to disrupt NPHP4 protein function with a positive predictive value of 80%. In summary, the available evidence is currently insufficient to determine the role of this variant in disease. Therefore, it has been classified as a Variant of Uncertain Significance.

NM_015102.5(NPHP4):c.2660T>A (p.Leu887Gln)

Gene: NPHP4 (nephrocystin 4; minus strand). Cytogenetic location: 1p36.31.
Variant type: single nucleotide variant.
Coding change: c.2660T>A on transcript NM_015102.5 (MANE Select); coding-DNA position 2660, T replaced by A.
Protein change: p.Leu887Gln; replaces leucine 887 with glutamine.
Molecular consequence: missense variant. On other transcripts: non-coding transcript variant (1).
Genome position (GRCh38, 1-based): chr1:5,877,250, A>T on the plus strand (T>A on the coding strand, the complement: NPHP4 is on the minus strand). VCF-style: chr1-5877250-A-T. GRCh37 (hg19) VCF-style: chr1-5937310-A-T.
Other names: c.1121T>A, p.Leu374Gln (NM_001291593.2); c.1124T>A, p.Leu375Gln (NM_001291594.2); short protein forms L374Q, L887Q, L375Q.
Identifiers: ClinVar variation 1979809 (VCV001979809.4), dbSNP rs2523233077, ClinGen allele CA338057462.
Genomic context (GRCh38, chr1:5,877,250, plus strand): 5'-TCGCGGCTGACGTCCTGGGGCCCCTTGCCCTGCCGGGCATGGGTCAGTAGCATGGCAGCC[A>T]GCTCACTGTCCACGTCCGCCAGCTTCTGTGCTTGCACCACGTGTTTTCCTGCGAAAGGGT-3'
Protein context (NP_055917.1, residues 877-897): AQKLADVDSE[Leu887Gln]AAMLLTHARQ